The following is an entry in ClinVar:

NM_001042681.2(RERE):c.2794C>G (p.Pro932Ala)

Gene: RERE (arginine-glutamic acid dipeptide repeats; minus strand). Cytogenetic location: 1p36.23.
Variant type: single nucleotide variant.
Coding change: c.2794C>G on transcript NM_001042681.2 (MANE Select); coding-DNA position 2794, C replaced by G.
Protein change: p.Pro932Ala; replaces proline 932 with alanine.
Molecular consequence: missense variant.
Genome position (GRCh38, 1-based): chr1:8,360,713, G>C on the plus strand (C>G on the coding strand, the complement: RERE is on the minus strand). VCF-style: chr1-8360713-G-C. GRCh37 (hg19) VCF-style: chr1-8420773-G-C.
Other names: c.1132C>G, p.Pro378Ala (NM_001042682.2); c.2794C>G, p.Pro932Ala (NM_012102.4); short protein forms P378A, P932A.
Identifiers: ClinVar variation 1708557 (VCV001708557.3), dbSNP rs2522715614, ClinGen allele CA338171894.

ClinVar aggregate classification (germline): Uncertain significance (1 of 4 stars; one submission).

Conditions:
Neurodevelopmental disorder with or without anomalies of the brain, eye, or heart (NEDBEH). Identifiers: Orphanet 494344, MedGen C5567477, MONDO:0014857, OMIM 616975.

Submission:

Institute of Human Genetics, University of Goettingen
Classification: Uncertain significance for Neurodevelopmental disorder with or without anomalies of the brain, eye, or heart. Last evaluated: 2023-03-21. Review status: criteria provided, single submitter. Criteria: ACMG Guidelines, 2015. Collection method: clinical testing. Allele origin: unknown. Inheritance: Sporadic. Observed: 1 heterozygote.
Comment: The variant c.2794C>G (p.(Pro932Ala)) in exon 19 of the RERE-gene is not found in the gnomAD database, it affects a moderately conserved nucleotide, a highly conserved amino acid within a protein domain and there is a small physicochemical difference between Pro and Ala. In silico prediction algorithms do not provide a clear statement about pathogenicity of this variant. ACMG criteria used for classification: PM2.